The following is an entry in ClinVar:

NM_023036.6(DNAI2):c.876G>A (p.Trp292Ter)

Gene: DNAI2 (dynein axonemal intermediate chain 2; plus strand). Cytogenetic location: 17q25.1.
Variant type: single nucleotide variant.
Coding change: c.876G>A on transcript NM_023036.6 (MANE Select); coding-DNA position 876, G replaced by A.
Protein change: p.Trp292Ter; replaces tryptophan 292 with a stop codon.
Molecular consequence: nonsense. On other transcripts: non-coding transcript variant (1).
Genome position (GRCh38, 1-based): chr17:74,301,057, G>A. VCF-style: chr17-74301057-G-A. GRCh37 (hg19) VCF-style: chr17-72297196-G-A.
Other names: c.876G>A, p.Trp292Ter (NM_001172810.3, NM_001353167.2); short protein forms W292*.
Identifiers: ClinVar variation 408970 (VCV000408970.17), dbSNP rs1060502202, ClinGen allele CA16615677.

ClinVar aggregate classification (germline): Pathogenic. Review status: criteria provided, multiple submitters, no conflicts (2 of 4 stars). 2 submissions from 2 submitters: Pathogenic (2). Last evaluated 2024-05-08.

Conditions:
Primary ciliary dyskinesia 9. Also called: CILIARY DYSKINESIA, PRIMARY, 9, WITH OR WITHOUT SITUS INVERSUS. Identifiers: Orphanet 244, MedGen C2676235, MONDO:0012906, OMIM 612444.
Primary ciliary dyskinesia. Also called: Ciliary dyskinesia. Identifiers: Orphanet 244, MedGen C0008780, MONDO:0016575, HP:0012265.

Allele frequency attached by ClinVar (database versions not stated): gnomAD exomes below 0.00001.
gnomAD v4.1: 2 of 1,613,990 alleles (0.00012%); highest among the groups gnomAD compares: Non-Finnish European, 0.00017%; no homozygotes.

Submissions (2):

Myriad Genetics, Inc.
Classification: Pathogenic for Primary ciliary dyskinesia 9. Last evaluated: 2024-05-08. Review status: criteria provided, single submitter. Criteria: Myriad Autosomal Dominant, Autosomal Recessive and X-Linked Classification Criteria (2023). Collection method: clinical testing. Allele origin: unknown.
Comment: NM_023036.4(DNAI2):c.876G>A(W292*) is expected to be pathogenic in the context of primary ciliary dyskinesia, DNAI2-related. This variant is predicted to lead to an abnormal or absent protein product due to the creation of a premature termination codon in DNAI2, a gene where loss-of-function variants are known to be pathogenic. Please note: this variant was assessed in the context of healthy population screening.

Labcorp Genetics (formerly Invitae), Labcorp
Classification: Pathogenic for Primary ciliary dyskinesia. Last evaluated: 2022-11-24. Review status: criteria provided, single submitter. Criteria: Invitae Variant Classification Sherloc (09022015). Collection method: clinical testing. Allele origin: germline.
Comment: For these reasons, this variant has been classified as Pathogenic. ClinVar contains an entry for this variant (Variation ID: 408970). This variant has not been reported in the literature in individuals affected with DNAI2-related conditions. This variant is not present in population databases (gnomAD no frequency). This sequence change creates a premature translational stop signal (p.Trp292*) in the DNAI2 gene. It is expected to result in an absent or disrupted protein product. Loss-of-function variants in DNAI2 are known to be pathogenic (PMID: 18950741, 23891469).

Literature cited by the submitters: PubMed 18950741 (cited by Labcorp Genetics (formerly Invitae), Labcorp); PubMed 23891469 (cited by Labcorp Genetics (formerly Invitae), Labcorp).